The following is an entry in ClinVar:

NM_001136472.2(LITAF):c.165C>T (p.Gly55=)

Gene: LITAF (lipopolysaccharide induced TNF factor; minus strand). Cytogenetic location: 16p13.13.
Variant type: single nucleotide variant.
Coding change: c.165C>T on transcript NM_001136472.2 (MANE Select); coding-DNA position 165, C replaced by T.
Protein change: p.Gly55=; no amino-acid change (glycine 55 retained).
Molecular consequence: synonymous variant. On other transcripts: non-coding transcript variant (1).
Genome position (GRCh38, 1-based): chr16:11,556,566, G>A on the plus strand (C>T on the coding strand, the complement: LITAF is on the minus strand). VCF-style: chr16-11556566-G-A. GRCh37 (hg19) VCF-style: chr16-11650422-G-A.
Other names: c.165C>T, p.Gly55= (NM_001136473.1, NM_004862.4).
Identifiers: ClinVar variation 4797661 (VCV004797661.1).

ClinVar aggregate classification (germline): Uncertain significance (1 of 4 stars; one submission).

Conditions:
Charcot-Marie-Tooth disease type 1C. Also called: CHARCOT-MARIE-TOOTH DISEASE, DEMYELINATING, TYPE 1C; Charcot-Marie-Tooth disease, type IC; CMT, SLOW NERVE CONDUCTION TYPE C; HMSN IC; CHARCOT-MARIE-TOOTH NEUROPATHY, TYPE 1C; NEUROPATHY, HEREDITARY MOTOR AND SENSORY, TYPE IC. Identifiers: Orphanet 101083, MedGen C0270913, MONDO:0010995, OMIM 601098.

gnomAD v4.1: 1 of 1,614,198 alleles (0.000062%); highest among the groups gnomAD compares: Admixed American, 0.0017%; no homozygotes.

Submission:

Labcorp Genetics (formerly Invitae), Labcorp
Classification: Uncertain significance for Charcot-Marie-Tooth disease type 1C. Last evaluated: 2025-03-13. Review status: criteria provided, single submitter. Criteria: Invitae Variant Classification Sherloc (09022015). Collection method: clinical testing. Allele origin: germline.
Comment: This sequence change affects codon 55 of the LITAF mRNA. It is a 'silent' change, meaning that it does not change the encoded amino acid sequence of the LITAF protein. This variant is present in population databases (no rsID available, gnomAD 0.003%). This variant has not been reported in the literature in individuals affected with LITAF-related conditions. Algorithms developed to predict the effect of sequence changes on RNA splicing suggest that this variant may disrupt the consensus splice site. In summary, the available evidence is currently insufficient to determine the role of this variant in disease. Therefore, it has been classified as a Variant of Uncertain Significance.